The following is an entry in ClinVar:

NC_000007.13:g.(?_107591671)_(107592668_?)del

Gene: LAMB1 (laminin subunit beta 1; minus strand). Cytogenetic location: 7q31.1.
Variant type: Deletion.
Identifiers: ClinVar variation 2424387 (VCV002424387.4).

ClinVar aggregate classification (germline): Uncertain significance (1 of 4 stars; one submission).

Submission:

Labcorp Genetics (formerly Invitae), Labcorp
Classification: Uncertain significance. Last evaluated: 2022-08-13. Review status: criteria provided, single submitter. Criteria: Invitae Variant Classification Sherloc (09022015). Collection method: clinical testing. Allele origin: germline.
Comment: In summary, the available evidence is currently insufficient to determine the role of this variant in disease. Therefore, it has been classified as a Variant of Uncertain Significance. Experimental studies and prediction algorithms are not available or were not evaluated, and the functional significance of this variant is currently unknown. This variant has not been reported in the literature in individuals affected with LAMB1-related conditions. This variant is a gross deletion of the genomic region encompassing exon(s) 23-24 of the LAMB1 gene. This variant would be expected to be in-frame, preserving the integrity of the reading frame.